The following is an entry in ClinVar:

ClinVar aggregate classification (germline): Benign (1 of 4 stars; one submission).

Allele frequency attached by ClinVar (database versions not stated): gnomAD 0.02603 and 0.02806; TOPMed 0.02904; 1000 Genomes Project 0.03055; 1000 Genomes Project 30x 0.03123.
gnomAD v4.1: 5,088 of 589,072 alleles (0.86%); highest among the groups gnomAD compares: African/African-American, 8.7%; 209 homozygotes.

Submission:

GeneDx
Classification: Benign. Last evaluated: 2018-06-19. Review status: criteria provided, single submitter. Criteria: GeneDx Variant Classification (06012015). Collection method: clinical testing. Allele origin: germline. Affected: yes.
Comment: This variant is considered likely benign or benign based on one or more of the following criteria: it is a conservative change, it occurs at a poorly conserved position in the protein, it is predicted to be benign by multiple in silico algorithms, and/or has population frequency not consistent with disease.

NM_000426.4(LAMA2):c.6269-143C>G

Gene: LAMA2 (laminin subunit alpha 2; plus strand). Cytogenetic location: 6q22.33.
Variant type: single nucleotide variant.
Coding change: c.6269-143C>G on transcript NM_000426.4 (MANE Select); 143 bases into the intron before coding-DNA position 6269, C replaced by G.
Molecular consequence: intron variant.
Genome position (GRCh38, 1-based): chr6:129,442,920, C>G. VCF-style: chr6-129442920-C-G. GRCh37 (hg19) VCF-style: chr6-129764065-C-G.
Other names: c.6269-143C>G (NM_001079823.2).
Identifiers: ClinVar variation 678263 (VCV000678263.1), dbSNP rs59195800, ClinGen allele CA146918220.
Genomic context (GRCh38, chr6:129,442,920, plus strand): 5'-ATACAAATAGTGGCCACTAAATTATATATTTTGTGTACTTTTATTTGATAACAATTGCTT[C>G]AGTTAAAATGGGGTGCATTTATAATTAGTACCTGTTATGAAAAATACCATTTTTAGTCAC-3'